The following is an entry in ClinVar:

ClinVar aggregate classification (germline): Uncertain significance. Review status: criteria provided, multiple submitters, no conflicts (2 of 4 stars). 2 submissions from 2 submitters: Uncertain significance (2). Last evaluated 2026-03-05.

Conditions:
Intellectual disability, autosomal dominant 9 (NESCAVS). Also called: NESCAV SYNDROME; KIF1A-Related Neurodevelopmental Disorder. Identifiers: Orphanet 662367, MedGen C5393830, MONDO:0013656, OMIM 614255.
Neuropathy, hereditary sensory, type 2C. Also called: KIF1A-Related HSAN2 (HSAN2C); Hereditary sensory and autonomic neuropathy type IIC. Identifiers: Orphanet 970, MedGen C3280168, MONDO:0013634, OMIM 614213.
Hereditary spastic paraplegia 30. Identifiers: Orphanet 101010, MedGen C5235139, MONDO:0012476.

Allele frequency attached by ClinVar (database versions not stated): gnomAD exomes below 0.00001.
gnomAD v4.1: 1 of 1,587,352 alleles (0.000063%); no homozygotes.

Submissions (2):

Mendelics
Classification: Uncertain significance for Intellectual disability, autosomal dominant 9. Last evaluated: 2026-03-05. Review status: criteria provided, single submitter. Criteria: ACMG Guidelines, 2015. Collection method: clinical testing. Allele origin: unknown.
Comment: The available evidence is insufficient to conclusively determine the role of this variant. Therefore, it is classified as a Variant of Uncertain Significance.

Labcorp Genetics (formerly Invitae), Labcorp
Classification: Uncertain significance for Hereditary spastic paraplegia 30; Neuropathy, hereditary sensory, type 2C; Intellectual disability, autosomal dominant 9. Last evaluated: 2025-02-12. Review status: criteria provided, single submitter. Criteria: Invitae Variant Classification Sherloc (09022015). Collection method: clinical testing. Allele origin: germline.
Comment: This sequence change replaces glycine, which is neutral and non-polar, with serine, which is neutral and polar, at codon 1148 of the KIF1A protein (p.Gly1148Ser). The frequency data for this variant in the population databases is considered unreliable, as metrics indicate poor data quality at this position in the gnomAD database. This variant has not been reported in the literature in individuals affected with KIF1A-related conditions. ClinVar contains an entry for this variant (Variation ID: 2949719). Invitae Evidence Modeling of protein sequence and biophysical properties (such as structural, functional, and spatial information, amino acid conservation, physicochemical variation, residue mobility, and thermodynamic stability) indicates that this missense variant is not expected to disrupt KIF1A protein function with a negative predictive value of 95%. In summary, the available evidence is currently insufficient to determine the role of this variant in disease. Therefore, it has been classified as a Variant of Uncertain Significance.

NM_001244008.2(KIF1A):c.3745G>A (p.Gly1249Ser)

Gene: KIF1A (kinesin family member 1A; minus strand). Cytogenetic location: 2q37.3.
Variant type: single nucleotide variant.
Coding change: c.3745G>A on transcript NM_001244008.2 (MANE Select); coding-DNA position 3745, G replaced by A.
Protein change: p.Gly1249Ser; replaces glycine 1249 with serine.
Molecular consequence: missense variant.
Genome position (GRCh38, 1-based): chr2:240,741,273, C>T on the plus strand (G>A on the coding strand, the complement: KIF1A is on the minus strand). VCF-style: chr2-240741273-C-T. GRCh37 (hg19) VCF-style: chr2-241680690-C-T.
Other names: c.3469G>A, p.Gly1157Ser (NM_001320705.2, NM_001330289.2, NM_001379638.1); c.3544G>A, p.Gly1182Ser (NM_001330290.2, NM_001379634.1, NM_001379635.1 and 1 more transcripts); c.3820G>A, p.Gly1274Ser (NM_001379631.1); c.3694G>A, p.Gly1232Ser (NM_001379632.1); c.3718G>A, p.Gly1240Ser (NM_001379633.1, NM_001379642.1, NM_001379645.1); c.3442G>A, p.Gly1148Ser (NM_001379636.1, NM_001379639.1, NM_001379641.1 and 6 more transcripts); c.3517G>A, p.Gly1173Ser (NM_001379637.1, NM_001379648.1); c.3439G>A, p.Gly1147Ser (NM_001379640.1); short protein forms G1157S, G1182S, G1232S, G1240S, G1147S, G1148S, G1173S, G1249S.
Identifiers: ClinVar variation 2949719 (VCV002949719.4), dbSNP rs1225778411, ClinGen allele CA351315174.